The following is an entry in ClinVar:

NM_000257.4(MYH7):c.4644+7G>C

Genes: MHRT (myosin heavy chain associated RNA transcript; plus strand), MYH7 (myosin heavy chain 7; minus strand). Cytogenetic location: 14q11.2.
Variant type: single nucleotide variant.
Coding change: c.4644+7G>C on transcript NM_000257.4 (MANE Select); 7 bases into the intron after coding-DNA position 4644, G replaced by C.
Molecular consequence: intron variant.
Genome position (GRCh38, 1-based): chr14:23,416,861, C>G on the plus strand (G>C on the coding strand, the complement: MYH7 is on the minus strand). VCF-style: chr14-23416861-C-G. GRCh37 (hg19) VCF-style: chr14-23886070-C-G.
Other names: c.4644+7G>C (LRG_384t1).
Identifiers: ClinVar variation 508992 (VCV000508992.4), dbSNP rs1555336564, ClinGen allele CA658798178.

ClinVar aggregate classification (germline): Likely benign. Review status: criteria provided, multiple submitters, no conflicts (2 of 4 stars). 2 submissions from 2 submitters: Likely benign (2). Last evaluated 2023-07-10.

Conditions:
Hypertrophic cardiomyopathy. Also called: HYPERTROPHIC MYOCARDIOPATHY. Identifiers: Orphanet 217569, MedGen C0007194, MeSH D002312, MONDO:0005045, HP:0001639.

Allele frequency attached by ClinVar (database versions not stated): gnomAD 0.00001; TOPMed 0.00001; gnomAD exomes below 0.00001.
gnomAD v4.1: 3 of 1,613,974 alleles (0.00019%); highest among the groups gnomAD compares: African/African-American, 0.004%; no homozygotes.

Submissions (2):

Labcorp Genetics (formerly Invitae), Labcorp
Classification: Likely benign for Hypertrophic cardiomyopathy. Last evaluated: 2023-07-10. Review status: criteria provided, single submitter. Criteria: Invitae Variant Classification Sherloc (09022015). Collection method: clinical testing. Allele origin: germline.

GeneDx
Classification: Likely benign. Last evaluated: 2017-04-18. Review status: criteria provided, single submitter. Criteria: GeneDx Variant Classification (06012015). Collection method: clinical testing. Allele origin: germline. Affected: yes.
Comment: This variant is considered likely benign or benign based on one or more of the following criteria: it is a conservative change, it occurs at a poorly conserved position in the protein, it is predicted to be benign by multiple in silico algorithms, and/or has population frequency not consistent with disease.